The following is an entry in ClinVar:

ClinVar aggregate classification (germline): Pathogenic. Review status: criteria provided, single submitter (1 of 4 stars). 2 submissions from 2 submitters: Pathogenic (1). 1 of the submissions does not count toward it. Last evaluated 2022-11-01.

Conditions:
Leber congenital amaurosis 13 (LCA13). Identifiers: MedGen C2675186, MONDO:0012990, OMIM 612712.

Submissions (2):

Labcorp Genetics (formerly Invitae), Labcorp
Classification: Pathogenic for Leber congenital amaurosis 13. Last evaluated: 2022-11-01. Review status: criteria provided, single submitter. Criteria: Invitae Variant Classification Sherloc (09022015). Collection method: clinical testing. Allele origin: germline.
Comment: For these reasons, this variant has been classified as Pathogenic. ClinVar contains an entry for this variant (Variation ID: 2048). This premature translational stop signal has been observed in individual(s) with Leber congenital amaurosis (PMID: 15258582). This variant is not present in population databases (gnomAD no frequency). This sequence change creates a premature translational stop signal (p.Gln189*) in the RDH12 gene. It is expected to result in an absent or disrupted protein product. Loss-of-function variants in RDH12 are known to be pathogenic (PMID: 17964524, 22065924, 32014858, 34001834).

OMIM
Classification: Pathogenic for LEBER CONGENITAL AMAUROSIS 13. Last evaluated: 2004-08-01. Review status: no assertion criteria provided. Collection method: literature only. Allele origin: germline. Not counted in ClinVar's aggregate classification.

Literature cited by the submitters: PubMed 15258582 (cited by Labcorp Genetics (formerly Invitae), Labcorp and OMIM); PubMed 17964524 (cited by Labcorp Genetics (formerly Invitae), Labcorp); PubMed 22065924 (cited by Labcorp Genetics (formerly Invitae), Labcorp); PubMed 32014858 (cited by Labcorp Genetics (formerly Invitae), Labcorp); PubMed 34001834 (cited by Labcorp Genetics (formerly Invitae), Labcorp).

NM_152443.3(RDH12):c.565C>T (p.Gln189Ter)

Genes: GPHN (gephyrin; plus strand), RDH12 (retinol dehydrogenase 12; plus strand). Cytogenetic location: 14q24.1.
Variant type: single nucleotide variant.
Coding change: c.565C>T on transcript NM_152443.3 (MANE Select); coding-DNA position 565, C replaced by T.
Protein change: p.Gln189Ter; replaces glutamine 189 with a stop codon.
Molecular consequence: nonsense.
Genome position (GRCh38, 1-based): chr14:67,727,097, C>T. VCF-style: chr14-67727097-C-T. GRCh37 (hg19) VCF-style: chr14-68193814-C-T.
Other names: short protein forms Q189*.
Identifiers: ClinVar variation 2048 (VCV000002048.5), dbSNP rs104894470, ClinGen allele CA252078.